The following is an entry in ClinVar:

ClinVar aggregate classification (germline): Uncertain significance (1 of 4 stars; one submission).

Conditions:
Hereditary cancer-predisposing syndrome. Also called: Hereditary Cancer Syndrome; Tumor predisposition; Hereditary neoplastic syndrome; Neoplastic Syndromes, Hereditary. Identifiers: Orphanet 140162, MedGen C0027672, MeSH D009386, MONDO:0015356.

Submission:

Ambry Genetics
Classification: Uncertain significance for Hereditary cancer-predisposing syndrome. Last evaluated: 2024-09-16. Review status: criteria provided, single submitter. Criteria: Ambry Variant Classification Scheme 2023. Collection method: clinical testing. Allele origin: germline.
Comment: The p.S970Y variant (also known as c.2909C>A), located in coding exon 21 of the MSH3 gene, results from a C to A substitution at nucleotide position 2909. The serine at codon 970 is replaced by tyrosine, an amino acid with dissimilar properties. This amino acid position is conserved. In addition, this alteration is predicted to be deleterious by in silico analysis. Based on the available evidence, the clinical significance of this variant remains unclear.

NM_002439.5(MSH3):c.2909C>A (p.Ser970Tyr)

Gene: MSH3 (mutS homolog 3; plus strand). Cytogenetic location: 5q14.1.
Variant type: single nucleotide variant.
Coding change: c.2909C>A on transcript NM_002439.5 (MANE Select); coding-DNA position 2909, C replaced by A.
Protein change: p.Ser970Tyr; replaces serine 970 with tyrosine.
Molecular consequence: missense variant.
Genome position (GRCh38, 1-based): chr5:80,854,225, C>A. VCF-style: chr5-80854225-C-A. GRCh37 (hg19) VCF-style: chr5-80150044-C-A.
Other names: short protein forms S970Y.
Identifiers: ClinVar variation 3398724 (VCV003398724.1).